The following is an entry in ClinVar:

ClinVar aggregate classification (germline): Uncertain significance (1 of 4 stars; one submission).

Conditions:
Developmental and epileptic encephalopathy, 9 (DEE9). Also called: PCDH19-Related X-Linked Female-Limited Epilepsy with Mental Retardation; EPILEPSY, FEMALE-RESTRICTED, WITH MENTAL RETARDATION; Early infantile epileptic encephalopathy 9; JUBERG-HELLMAN SYNDROME. Identifiers: Orphanet 101039, Orphanet 2076, MedGen C1848137, MONDO:0010246, OMIM 300088. Disease mechanism: loss of function.

Submission:

Labcorp Genetics (formerly Invitae), Labcorp
Classification: Uncertain significance for Developmental and epileptic encephalopathy, 9. Last evaluated: 2023-11-12. Review status: criteria provided, single submitter. Criteria: Invitae Variant Classification Sherloc (09022015). Collection method: clinical testing. Allele origin: germline.
Comment: This sequence change replaces glutamic acid, which is acidic and polar, with lysine, which is basic and polar, at codon 754 of the PCDH19 protein (p.Glu754Lys). This variant is not present in population databases (gnomAD no frequency). This variant has not been reported in the literature in individuals affected with PCDH19-related conditions. Advanced modeling of protein sequence and biophysical properties (such as structural, functional, and spatial information, amino acid conservation, physicochemical variation, residue mobility, and thermodynamic stability) performed at Invitae indicates that this missense variant is not expected to disrupt PCDH19 protein function with a negative predictive value of 95%. In summary, the available evidence is currently insufficient to determine the role of this variant in disease. Therefore, it has been classified as a Variant of Uncertain Significance.

NM_001184880.2(PCDH19):c.2260G>A (p.Glu754Lys)

Genes: PCDH19 (protocadherin 19; minus strand), LOC125467768 (CDK7 strongly-dependent group 2 enhancer GRCh37_chrX:99657381-99658580; plus strand). Cytogenetic location: Xq22.1.
Variant type: single nucleotide variant.
Coding change: c.2260G>A on transcript NM_001184880.2 (MANE Select); coding-DNA position 2260, G replaced by A.
Protein change: p.Glu754Lys; replaces glutamic acid 754 with lysine.
Molecular consequence: missense variant. On other transcripts: intron variant (2).
Genome position (GRCh38, 1-based): chrX:100,403,552, C>T on the plus strand (G>A on the coding strand, the complement: PCDH19 is on the minus strand). VCF-style: chrX-100403552-C-T. GRCh37 (hg19) VCF-style: chrX-99658550-C-T.
Other names: c.2148-701G>A (NM_020766.3, NM_001105243.2); short protein forms E754K.
Identifiers: ClinVar variation 2789888 (VCV002789888.3), dbSNP rs2520962898, ClinGen allele CA414006720.